The following is an entry in ClinVar:

NM_001134407.3(GRIN2A):c.2326G>A (p.Asp776Asn)

Gene: GRIN2A (glutamate ionotropic receptor NMDA type subunit 2A; minus strand). Cytogenetic location: 16p13.2.
Variant type: single nucleotide variant.
Coding change: c.2326G>A on transcript NM_001134407.3 (MANE Select); coding-DNA position 2326, G replaced by A.
Protein change: p.Asp776Asn; replaces aspartic acid 776 with asparagine.
Molecular consequence: missense variant.
Genome position (GRCh38, 1-based): chr16:9,798,307, C>T on the plus strand (G>A on the coding strand, the complement: GRIN2A is on the minus strand). VCF-style: chr16-9798307-C-T. GRCh37 (hg19) VCF-style: chr16-9892164-C-T.
Other names: c.2326G>A, p.Asp776Asn (NM_000833.5, NM_001134408.2); short protein forms D776N.
Identifiers: ClinVar variation 2100167 (VCV002100167.4), dbSNP rs776791010, ClinGen allele CA7896542.
Genomic context (GRCh38, chr16:9,798,307, plus strand): 5'-CCTAAAGAAAGGGGTCACCCGGGGTCTTACCATCACCCACAAACTGAAGCAAGGCCAGGT[C>T]GATCTGCCTCTTCCAAGGAGAGCCTTTCTGAAGGGCAATTCCATAACCGGTGGTGGCAAA-3'
Protein context (NP_001127879.1, residues 766-786): QKGSPWKRQI[Asp776Asn]LALLQFVGDG

ClinVar aggregate classification (germline): Likely pathogenic (1 of 4 stars; one submission).

Conditions:
Landau-Kleffner syndrome (FESD). Also called: EPILEPSY, FOCAL, WITH SPEECH DISORDER AND WITH OR WITHOUT MENTAL RETARDATION; APHASIA, ACQUIRED, WITH EPILEPSY. Identifiers: Orphanet 1945, Orphanet 725, Orphanet 98818, MedGen C0282512, MONDO:0009509, OMIM 245570.

Allele frequency attached by ClinVar (database versions not stated): gnomAD exomes below 0.00001; ExAC 0.00001; TOPMed 0.00001.
gnomAD v4.1: 4 of 1,614,034 alleles (0.00025%); highest among the groups gnomAD compares: African/African-American, 0.0013%; no homozygotes.

Submission:

Labcorp Genetics (formerly Invitae), Labcorp
Classification: Likely pathogenic for Landau-Kleffner syndrome. Last evaluated: 2025-02-03. Review status: criteria provided, single submitter. Criteria: Invitae Variant Classification Sherloc (09022015). Collection method: clinical testing. Allele origin: germline.
Comment: This sequence change replaces aspartic acid, which is acidic and polar, with asparagine, which is neutral and polar, at codon 776 of the GRIN2A protein (p.Asp776Asn). This variant is present in population databases (rs776791010, gnomAD 0.007%). This variant has not been reported in the literature in individuals affected with GRIN2A-related conditions. ClinVar contains an entry for this variant (Variation ID: 2100167). Invitae Evidence Modeling of protein sequence and biophysical properties (such as structural, functional, and spatial information, amino acid conservation, physicochemical variation, residue mobility, and thermodynamic stability) has been performed for this missense variant. However, the output from this modeling did not meet the statistical confidence thresholds required to predict the impact of this variant on GRIN2A protein function. This variant disrupts the p.Asp776 amino acid residue in GRIN2A. Other variant(s) that disrupt this residue have been determined to be pathogenic (PMID: 24848745). This suggests that this residue is clinically significant, and that variants that disrupt this residue are likely to be disease-causing. In summary, the currently available evidence indicates that the variant is pathogenic, but additional data are needed to prove that conclusively. Therefore, this variant has been classified as Likely Pathogenic.

Literature cited by the submitters: PubMed 24848745.